The following is an entry in ClinVar:

ClinVar aggregate classification (germline): Uncertain significance (1 of 4 stars; one submission).

Conditions:
CHARGE syndrome (CHARGE). Also called: Coloboma, heart anomaly, choanal atresia, retardation, genital and ear anomalies; CHARGE association; Hall-Hittner syndrome; Hittner Hirsch Kreh syndrome; CHARGE ASSOCIATION--COLOBOMA, HEART ANOMALY, CHOANAL ATRESIA, RETARDATION, GENITAL AND EAR ANOMALIES. Identifiers: Orphanet 138, MedGen C0265354, MONDO:0008965.

Allele frequency attached by ClinVar (database versions not stated): gnomAD exomes below 0.00001.
gnomAD v4.1: 1 of 1,614,002 alleles (0.000062%); highest among the groups gnomAD compares: Non-Finnish European, 0.000085%; no homozygotes.

Submission:

Labcorp Genetics (formerly Invitae), Labcorp
Classification: Uncertain significance for CHARGE syndrome. Last evaluated: 2024-05-10. Review status: criteria provided, single submitter. Criteria: Invitae Variant Classification Sherloc (09022015). Collection method: clinical testing. Allele origin: germline.
Comment: This sequence change replaces methionine, which is neutral and non-polar, with isoleucine, which is neutral and non-polar, at codon 2423 of the CHD7 protein (p.Met2423Ile). This variant is not present in population databases (gnomAD no frequency). This variant has not been reported in the literature in individuals affected with CHD7-related conditions. ClinVar contains an entry for this variant (Variation ID: 1486880). Advanced modeling of protein sequence and biophysical properties (such as structural, functional, and spatial information, amino acid conservation, physicochemical variation, residue mobility, and thermodynamic stability) performed at Invitae indicates that this missense variant is not expected to disrupt CHD7 protein function with a negative predictive value of 80%. In summary, the available evidence is currently insufficient to determine the role of this variant in disease. Therefore, it has been classified as a Variant of Uncertain Significance.

NM_017780.4(CHD7):c.7269G>A (p.Met2423Ile)

Gene: CHD7 (chromodomain helicase DNA binding protein 7; plus strand). Cytogenetic location: 8q12.2.
Variant type: single nucleotide variant.
Coding change: c.7269G>A on transcript NM_017780.4 (MANE Select); coding-DNA position 7269, G replaced by A.
Protein change: p.Met2423Ile; replaces methionine 2423 with isoleucine.
Molecular consequence: missense variant. On other transcripts: intron variant (1).
Genome position (GRCh38, 1-based): chr8:60,856,549, G>A. VCF-style: chr8-60856549-G-A. GRCh37 (hg19) VCF-style: chr8-61769108-G-A.
Other names: c.1717-5680G>A (NM_001316690.1); short protein forms M2423I.
Identifiers: ClinVar variation 1486880 (VCV001486880.8), dbSNP rs2129648356, ClinGen allele CA371300438.
Genomic context (GRCh38, chr8:60,856,549, plus strand): 5'-GAGGAGAAAAATCGAAATTGAGGCCGAAAGAGCTGCCAAGAGGCGAAATCTCATGGAGAT[G>A]GTTGCCCAGCTTCGAGAGTCTCAGGTGGTCTCAGAAAATGGACAAGAAAAAGTTGTAGAT-3'
Protein context (NP_060250.2, residues 2413-2433): RAAKRRNLME[Met2423Ile]VAQLRESQVV